The following is an entry in ClinVar:

NM_013432.5(TONSL):c.2800C>T (p.Arg934Trp)

Genes: TONSL (tonsoku like, DNA repair protein; minus strand), TONSL-AS1 (TONSL antisense RNA 1; plus strand). Cytogenetic location: 8q24.3.
Variant type: single nucleotide variant.
Coding change: c.2800C>T on transcript NM_013432.5 (MANE Select); coding-DNA position 2800, C replaced by T.
Protein change: p.Arg934Trp; replaces arginine 934 with tryptophan.
Molecular consequence: missense variant.
Genome position (GRCh38, 1-based): chr8:144,435,526, G>A on the plus strand (C>T on the coding strand, the complement: TONSL is on the minus strand). VCF-style: chr8-144435526-G-A. GRCh37 (hg19) VCF-style: chr8-145660909-G-A.
Other names: TONSL, ARG934TRP (rs755575416); short protein forms R934W.
Identifiers: ClinVar variation 638059 (VCV000638059.10), dbSNP rs755575416, ClinGen allele CA187666692.

ClinVar aggregate classification (germline): Pathogenic. Review status: criteria provided, multiple submitters, no conflicts (2 of 4 stars). 5 submissions from 5 submitters: Pathogenic (2). 3 of the submissions do not count toward it. Last evaluated 2025-10-06.

Conditions:
Sponastrime dysplasia. Also called: SPONDYLAR AND NASAL ALTERATIONS WITH STRIATED METAPHYSES. Identifiers: Orphanet 93357, MedGen C1300260, MONDO:0010068, OMIM 271510.
TONSL-related disorder. Also called: TONSL-related condition.

Allele frequency attached by ClinVar (database versions not stated): gnomAD 0.00001; TOPMed 0.00001.

Submissions (5):

Labcorp Genetics (formerly Invitae), Labcorp
Classification: Pathogenic. Last evaluated: 2025-10-06. Review status: criteria provided, single submitter. Criteria: Invitae Variant Classification Sherloc (09022015). Collection method: clinical testing. Allele origin: germline.
Comment: This sequence change replaces arginine, which is basic and polar, with tryptophan, which is neutral and slightly polar, at codon 934 of the TONSL protein (p.Arg934Trp). This variant is present in population databases (rs755575416, gnomAD 0.01%). This missense change has been observed in individual(s) with sponastrime dysplasia (PMID: 30773277, 30773278). In at least one individual the data is consistent with being in trans (on the opposite chromosome) from a pathogenic variant. ClinVar contains an entry for this variant (Variation ID: 638059). Invitae Evidence Modeling of protein sequence and biophysical properties (such as structural, functional, and spatial information, amino acid conservation, physicochemical variation, residue mobility, and thermodynamic stability) indicates that this missense variant is expected to disrupt TONSL protein function with a positive predictive value of 80%. Experimental studies have shown that this missense change affects TONSL function (PMID: 30773278). For these reasons, this variant has been classified as Pathogenic.

Mendelics
Classification: Pathogenic for Sponastrime dysplasia. Last evaluated: 2019-05-28. Review status: criteria provided, single submitter. Criteria: Mendelics Assertion Criteria 2017. Collection method: clinical testing. Allele origin: unknown.

PreventionGenetics, part of Exact Sciences
Classification: Likely pathogenic for TONSL-related condition. Last evaluated: 2024-07-14. Review status: no assertion criteria provided. Collection method: clinical testing. Allele origin: germline. Not counted in ClinVar's aggregate classification.
Comment: The TONSL c.2800C>T variant is predicted to result in the amino acid substitution p.Arg934Trp. This variant has been reported in the compound heterozygous state in multiple individuals with sponastrime type spondyloepimetaphyseal dysplasia, and functional studies support its pathogenicity (Chang et al. 2019. PubMed ID: 30773278; Burrage et al. 2019. PubMed ID: 30773277). This variant is reported in 0.0087% of alleles in individuals of East Asian descent in gnomAD. This variant is interpreted as likely pathogenic.

OMIM
Classification: Pathogenic for SPONDYLOEPIMETAPHYSEAL DYSPLASIA, SPONASTRIME TYPE. Last evaluated: 2019-07-24. Review status: no assertion criteria provided. Collection method: literature only. Allele origin: germline. Not counted in ClinVar's aggregate classification.

University of Washington Center for Mendelian Genomics, University of Washington
Classification: Likely pathogenic for Sponastrime Dysplasia. Review status: no assertion criteria provided. Collection method: research. Allele origin: inherited. Affected: yes. Not counted in ClinVar's aggregate classification.

Literature cited by the submitters: PubMed 30773277 (cited by 3 submitters); PubMed 30773278 (cited by Labcorp Genetics (formerly Invitae), Labcorp and OMIM); PubMed 10797420 (cited by OMIM).